The following is an entry in ClinVar:

NM_000093.5(COL5A1):c.2950A>T (p.Thr984Ser)

Gene: COL5A1 (collagen type V alpha 1 chain; plus strand). Cytogenetic location: 9q34.3.
Variant type: single nucleotide variant.
Coding change: c.2950A>T on transcript NM_000093.5 (MANE Select); coding-DNA position 2950, A replaced by T.
Protein change: p.Thr984Ser; replaces threonine 984 with serine.
Molecular consequence: missense variant.
Genome position (GRCh38, 1-based): chr9:134,798,459, A>T. VCF-style: chr9-134798459-A-T. GRCh37 (hg19) VCF-style: chr9-137690305-A-T.
Other names: c.2950A>T, p.Thr984Ser (NM_001278074.1); short protein forms T984S.
Identifiers: ClinVar variation 1022584 (VCV001022584.10), dbSNP rs1837995693, ClinGen allele CA375457708.
Genomic context (GRCh38, chr9:134,798,459, plus strand): 5'-TTTCTTCAGGGCCCTCCAGGCAAGGATGGACTCCCAGGACACCCTGGACAGAGAGGCGAG[A>T]CTGTGAGTATCGAGGGTGCTGGGGGACGTGGCTGGCTGGCTCTCTGACCACCCTGCACGT-3'
Protein context (NP_000084.3, residues 974-994): LPGHPGQRGE[Thr984Ser]GFQGKTGPPG

ClinVar aggregate classification (germline): Uncertain significance (1 of 4 stars; one submission).

Conditions:
Ehlers-Danlos syndrome, classic type, 1 (EDSCL1). Also called: EHLERS-DANLOS SYNDROME, GRAVIS TYPE; EHLERS-DANLOS SYNDROME, SEVERE CLASSIC TYPE; EDS I; Ehlers-Danlos Syndrome, Classic Type, COL5A1-Related; Ehlers-Danlos syndrome, type 1. Identifiers: MedGen C0268335, MONDO:0019567, OMIM 130000.

Submission:

Labcorp Genetics (formerly Invitae), Labcorp
Classification: Uncertain significance for Ehlers-Danlos syndrome, classic type, 1. Last evaluated: 2020-07-08. Review status: criteria provided, single submitter. Criteria: Invitae Variant Classification Sherloc (09022015). Collection method: clinical testing. Allele origin: germline.
Comment: This variant has not been reported in the literature in individuals with COL5A1-related conditions. This variant is not present in population databases (ExAC no frequency). This sequence change replaces threonine with serine at codon 984 of the COL5A1 protein (p.Thr984Ser). The threonine residue is highly conserved and there is a small physicochemical difference between threonine and serine. Algorithms developed to predict the effect of missense changes on protein structure and function are either unavailable or do not agree on the potential impact of this missense change (SIFT: "Tolerated"; PolyPhen-2: "Not Available"; Align-GVGD: "Class C0"). In summary, the available evidence is currently insufficient to determine the role of this variant in disease. Therefore, it has been classified as a Variant of Uncertain Significance.